The following is an entry in ClinVar:

NM_016373.4(WWOX):c.409+122A>C

Gene: WWOX (WW domain containing oxidoreductase; plus strand). Cytogenetic location: 16q23.1.
Variant type: single nucleotide variant.
Coding change: c.409+122A>C on transcript NM_016373.4 (MANE Select); 122 bases into the intron after coding-DNA position 409, A replaced by C.
Molecular consequence: intron variant.
Genome position (GRCh38, 1-based): chr16:78,115,276, A>C. VCF-style: chr16-78115276-A-C. GRCh37 (hg19) VCF-style: chr16-78149173-A-C.
Other names: c.70+122A>C (NM_001291997.2); c.409+122A>C (NM_130791.5).
Identifiers: ClinVar variation 670331 (VCV000670331.2), dbSNP rs7203387, ClinGen allele CA14286913.

ClinVar aggregate classification (germline): Benign. Review status: criteria provided, multiple submitters, no conflicts (2 of 4 stars). 2 submissions from 2 submitters: Benign (2). Last evaluated 2018-06-14.

Allele frequency attached by ClinVar (database versions not stated): gnomAD exomes 0.34382; 1000 Genomes Project 0.35383; 1000 Genomes Project 30x 0.36118; gnomAD 0.40098 and 0.40944; TOPMed 0.40591.
gnomAD v4.1: 409,594 of 1,165,300 alleles (35%); highest among the groups gnomAD compares: African/African-American, 55%; 74,883 homozygotes.

Submissions (2):

GeneDx
Classification: Benign. Last evaluated: 2018-06-14. Review status: criteria provided, single submitter. Criteria: GeneDx Variant Classification (06012015). Collection method: clinical testing. Allele origin: germline. Affected: yes.
Comment: This variant is considered likely benign or benign based on one or more of the following criteria: it is a conservative change, it occurs at a poorly conserved position in the protein, it is predicted to be benign by multiple in silico algorithms, and/or has population frequency not consistent with disease.

Breakthrough Genomics
Classification: Benign. Review status: criteria provided, single submitter. Criteria: ACMG Guidelines, 2015. Collection method: not provided. Allele origin: germline. Inheritance: Autosomal recessive inheritance. Affected: yes.